The following is an entry in ClinVar:

NM_000257.4(MYH7):c.853A>C (p.Ile285Leu)

Gene: MYH7 (myosin heavy chain 7; minus strand). Cytogenetic location: 14q11.2.
Variant type: single nucleotide variant.
Coding change: c.853A>C on transcript NM_000257.4 (MANE Select); coding-DNA position 853, A replaced by C.
Protein change: p.Ile285Leu; replaces isoleucine 285 with leucine.
Molecular consequence: missense variant.
Genome position (GRCh38, 1-based): chr14:23,430,943, T>G on the plus strand (A>C on the coding strand, the complement: MYH7 is on the minus strand). VCF-style: chr14-23430943-T-G. GRCh37 (hg19) VCF-style: chr14-23900152-T-G.
Other names: c.853A>C, p.Ile285Leu (NM_001407004.1); short protein forms I285L.
Identifiers: ClinVar variation 2773966 (VCV002773966.2), dbSNP rs748692506, ClinGen allele CA389051901.
Genomic context (GRCh38, chr14:23,430,943, plus strand): 5'-TCGGTGGCTCTGACTCACCCAGCAGCTCAGGCTTTTTGTTAGACAGGATTTGGTAGAAAA[T>G]GTGATAATCTCTCTCTGCTTTCAGCTGGAAAATAACTCTGGATTTTTCCAGAAGATCTGT-3'
Protein context (NP_000248.2, residues 275-295): FQLKAERDYH[Ile285Leu]FYQILSNKKP

ClinVar aggregate classification (germline): Uncertain significance (1 of 4 stars; one submission).

Conditions:
Cardiomyopathy (CMYO). Also called: Cardiomyopathies. Identifiers: Orphanet 167848, MedGen C0878544, MONDO:0004994, HP:0001638. Inheritance: Various modes of inheritance.

Submission:

Color Diagnostics, LLC DBA Color Health
Classification: Uncertain significance for Cardiomyopathy. Last evaluated: 2024-03-07. Review status: criteria provided, single submitter. Criteria: ACMG Guidelines, 2015. Collection method: clinical testing. Allele origin: germline.
Comment: This missense variant replaces isoleucine with leucine at codon 285 of the MYH7 protein. Computational prediction suggests that this variant may have deleterious impact on protein structure and function (internally defined REVEL score threshold >= 0.7, PMID: 27666373). To our knowledge, functional studies have not been reported for this variant. This variant has not been reported in individuals affected with cardiovascular disorders in the literature. This variant has not been identified in the general population by the Genome Aggregation Database (gnomAD). The available evidence is insufficient to determine the role of this variant in disease conclusively. Therefore, this variant is classified as a Variant of Uncertain Significance.